The following is an entry in ClinVar:

ClinVar aggregate classification (germline): Conflicting classifications of pathogenicity. Review status: criteria provided, conflicting classifications (1 of 4 stars). 3 submissions from 3 submitters: Uncertain significance (1); Likely benign (2). Last evaluated 2025-10-07.

Conditions:
Joubert syndrome 21 (JBTS21). Identifiers: MedGen C3810212, MONDO:0014288, OMIM 615636.

Allele frequency attached by ClinVar (database versions not stated): gnomAD 0.00002; 1000 Genomes Project 30x 0.00016; ESP Exome Variant Server 0.00017; 1000 Genomes Project 0.00020.
gnomAD v4.1: 131 of 1,612,784 alleles (0.0081%); highest among the groups gnomAD compares: South Asian, 0.045%; no homozygotes.

Submissions (3):

Labcorp Genetics (formerly Invitae), Labcorp
Classification: Likely benign for Joubert syndrome 21. Last evaluated: 2025-10-07. Review status: criteria provided, single submitter. Criteria: Invitae Variant Classification Sherloc (09022015). Collection method: clinical testing. Allele origin: germline.

Blueprint Genetics
Classification: Uncertain significance. Last evaluated: 2024-10-08. Review status: criteria provided, single submitter. Criteria: ACMG Guidelines, 2015. Collection method: clinical testing. Allele origin: germline.

CeGaT Center for Human Genetics Tuebingen
Classification: Likely benign. Last evaluated: 2022-09-01. Review status: criteria provided, single submitter. Criteria: CeGaT Center For Human Genetics Tuebingen Variant Classification Criteria Version 2. Collection method: clinical testing. Allele origin: germline. Affected: yes. Observed: 1 variant allele.
Comment: CSPP1: BP4, BP7

NM_001382391.1(CSPP1):c.672C>T (p.Ile224=)

Gene: CSPP1 (centrosome and spindle pole associated protein 1; plus strand). Cytogenetic location: 8q13.1.
Variant type: single nucleotide variant.
Coding change: c.672C>T on transcript NM_001382391.1 (MANE Select); coding-DNA position 672, C replaced by T.
Protein change: p.Ile224=; no amino-acid change (isoleucine 224 retained).
Molecular consequence: synonymous variant. On other transcripts: 5 prime UTR variant (1).
Genome position (GRCh38, 1-based): chr8:67,095,481, C>T. VCF-style: chr8-67095481-C-T. GRCh37 (hg19) VCF-style: chr8-68007716-C-T.
Other names: c.-184C>T (NM_001291339.2); c.591C>T, p.Ile197= (NM_001363131.2, NM_001363133.2); c.672C>T, p.Ile224= (NM_001363132.2); c.780C>T, p.Ile260= (NM_001364869.1); c.699C>T, p.Ile233= (NM_001364870.1, NM_024790.7).
Identifiers: ClinVar variation 2047471 (VCV002047471.29), dbSNP rs372197172, ClinGen allele CA4770332.